The following is an entry in ClinVar:

NM_024675.4(PALB2):c.2912_2913del (p.Gly971fs)

Gene: PALB2 (partner and localizer of BRCA2; minus strand). Cytogenetic location: 16p12.2.
Variant type: Deletion.
Coding change: c.2912_2913del on transcript NM_024675.4 (MANE Select); coding-DNA positions 2912 to 2913, 2 bases deleted (GC; older notation c.2912_2913delGC).
Protein change: p.Gly971fs; shifts the reading frame from glycine 971.
Molecular consequence: frameshift variant.
Genome position (GRCh38, 1-based): chr16:23,623,052-23,623,053, GC deleted on the plus strand (GC on the coding strand, the reverse complement: PALB2 is on the minus strand). VCF-style (leftmost placement, unchanged base first): chr16-23623051-GGC-G. GRCh37 (hg19) VCF-style: chr16-23634372-GGC-G.
Other names: c.2852_2853delGC, p.Gly951Alafs (NM_001407296.1); c.2840_2841delGC, p.Gly947Alafs (NM_001407297.1); c.2750_2751delGC, p.Gly917Alafs (NM_001407298.1, NM_001407302.1); c.2912_2913delGC, p.Gly971Alafs (NM_001407299.1, NM_001407301.1); c.2027_2028delGC, p.Gly676Alafs (NM_001407304.1, NM_001407305.1, NM_001407306.1 and 4 more transcripts); c.1865_1866delGC, p.Gly622Alafs (NM_001407307.1); c.1124_1125delGC, p.Gly375Alafs (NM_001407312.1, NM_001407313.1); c.446_447delGC, p.Gly149Alafs (NM_001407314.1); short protein forms G971fs.
Identifiers: ClinVar variation 1797591 (VCV001797591.2), dbSNP rs2506335230, ClinGen allele CA2580091363.

ClinVar aggregate classification (germline): Pathogenic (1 of 4 stars; one submission).

Conditions:
Hereditary cancer-predisposing syndrome. Also called: Neoplastic Syndromes, Hereditary; Tumor predisposition; Hereditary Cancer Syndrome; Hereditary neoplastic syndrome. Identifiers: Orphanet 140162, MedGen C0027672, MeSH D009386, MONDO:0015356.

Submission:

Ambry Genetics
Classification: Pathogenic for Hereditary cancer-predisposing syndrome. Last evaluated: 2021-06-11. Review status: criteria provided, single submitter. Criteria: Ambry Variant Classification Scheme 2023. Collection method: clinical testing. Allele origin: germline.
Comment: The c.2912_2913delGC pathogenic mutation, located in coding exon 9 of the PALB2 gene, results from a deletion of two nucleotides at nucleotide positions 2912 to 2913, causing a translational frameshift with a predicted alternate stop codon (p.G971Afs*8). This alteration is expected to result in loss of function by premature protein truncation or nonsense-mediated mRNA decay. As such, this alteration is interpreted as a disease-causing mutation.